The following is an entry in ClinVar:

NM_007294.4(BRCA1):c.146T>C (p.Leu49Pro)

Gene: BRCA1 (BRCA1 DNA repair associated; minus strand). Cytogenetic location: 17q21.31.
Variant type: single nucleotide variant.
Coding change: c.146T>C on transcript NM_007294.4 (MANE Select); coding-DNA position 146, T replaced by C.
Protein change: p.Leu49Pro; replaces leucine 49 with proline.
Molecular consequence: missense variant. On other transcripts: non-coding transcript variant (1).
Genome position (GRCh38, 1-based): chr17:43,106,522, A>G on the plus strand (T>C on the coding strand, the complement: BRCA1 is on the minus strand). VCF-style: chr17-43106522-A-G. GRCh37 (hg19) VCF-style: chr17-41258539-A-G.
Other names: c.146T>C, p.Leu49Pro (NM_001407672.1, NM_001407673.1, NM_001407674.1 and 168 more transcripts); c.5T>C, p.Leu2Pro (NM_001407692.1, NM_001407694.1, NM_001407695.1 and 99 more transcripts); c.-43T>C (NM_001407853.1, NM_001407879.1, NM_001407881.1 and 58 more transcripts); short protein forms L2P, L49P.
Identifiers: ClinVar variation 867886 (VCV000867886.4), dbSNP rs273897660, ClinGen allele CA10601862.

ClinVar aggregate classification (germline): Uncertain significance (1 of 4 stars; one submission).

Conditions:
Hereditary breast ovarian cancer syndrome. Also called: Hereditary breast and ovarian cancer; Hereditary breast and ovarian cancer syndrome (HBOC); Breast and ovarian cancer; Hereditary breast and/or ovarian cancer syndrome; BRCA1- and BRCA2-Associated Hereditary Breast and Ovarian Cancer; Hereditary breast and ovarian cancer syndrome. Identifiers: Orphanet 145, MedGen C0677776, MeSH D061325, MONDO:0003582. Disease mechanism: loss of function.

Submissions (2):

Labcorp Genetics (formerly Invitae), Labcorp
Classification: Uncertain significance for Hereditary breast ovarian cancer syndrome. Last evaluated: 2025-12-09. Review status: criteria provided, single submitter. Criteria: Invitae Variant Classification Sherloc (09022015). Collection method: clinical testing. Allele origin: germline.
Comment: This sequence change replaces leucine, which is neutral and non-polar, with proline, which is neutral and non-polar, at codon 49 of the BRCA1 protein (p.Leu49Pro). This variant is not present in population databases (gnomAD no frequency). This variant has not been reported in the literature in individuals affected with BRCA1-related conditions. ClinVar contains an entry for this variant (Variation ID: 867886). Invitae Evidence Modeling incorporating data from in vitro experimental studies (PMID: 30209399) indicates that this missense variant is expected to disrupt BRCA1 function with a positive predictive value of 95%. In summary, the available evidence is currently insufficient to determine the role of this variant in disease. Therefore, it has been classified as a Variant of Uncertain Significance.

Brotman Baty Institute, University of Washington
No classification provided (evidence only). Condition: Breast-ovarian cancer, familial 1. Review status: no classification provided. Collection method: in vitro. Allele origin: not applicable. Functional consequence: functionally_abnormal. Not counted in ClinVar's aggregate classification.
ClinVar note: "not provided" was previously submitted as the classification for the variant. However, the classification appeared to be based only on an observation of functional data so it was converted to no classification on 2025-07-30.

Literature cited by the submitters: PubMed 30209399 (cited by Labcorp Genetics (formerly Invitae), Labcorp).